The following is an entry in ClinVar:

ClinVar aggregate classification (germline): Uncertain significance (1 of 4 stars; one submission).

Conditions:
SLC27A5-related disorder. Also called: SLC27A5-related condition.

Submission:

PreventionGenetics, part of Exact Sciences
Classification: Uncertain significance for SLC27A5-related condition. Last evaluated: 2026-04-21. Review status: criteria provided, single submitter. Criteria: ACMG Guidelines, 2015. Collection method: clinical testing. Allele origin: germline.
Comment: The SLC27A5 c.1931_1933delTGA variant is predicted to result in an in-frame deletion (p.Met644del). To our knowledge, this variant has not been reported in the literature or in a large population database (gnomAD), indicating this variant is rare. At this time, the clinical significance of this variant is uncertain due to the absence of conclusive functional and genetic evidence.

NM_012254.3(SLC27A5):c.1928TGA[1] (p.Met644del)

Gene: SLC27A5 (solute carrier family 27 member 5; minus strand). Cytogenetic location: 19q13.43.
Variant type: Microsatellite.
Coding change: c.1928TGA[1] on transcript NM_012254.3 (MANE Select); one copy of the 3-base unit TGA starting at c.1928; the reference has two copies in a row; one copy, 3 bases deleted.
Protein change: p.Met644del; deletes methionine 644.
Molecular consequence: inframe deletion.
Genome position (GRCh38, 1-based): chr19:58,498,655-58,498,657, TCA deleted on the plus strand (TGA on the coding strand, the reverse complement: SLC27A5 is on the minus strand); deleting any 3 consecutive bases within chr19:58,498,655-58,498,660 gives the same sequence; the position shown is the placement nearest the transcript's 3' end. VCF-style (leftmost placement, unchanged base first): chr19-58498654-TTCA-T. GRCh37 (hg19) VCF-style: chr19-59010021-TTCA-T.
Other names: c.1676TGA[1], p.Met560del (NM_001321196.2); short protein forms M560del, M644del.
Identifiers: ClinVar variation 4983460 (VCV004983460.1).